The following is an entry in ClinVar:

ClinVar aggregate classification (germline): Uncertain significance (1 of 4 stars; one submission).

Conditions:
Hereditary cancer-predisposing syndrome. Also called: Neoplastic Syndromes, Hereditary; Tumor predisposition; Hereditary Cancer Syndrome; Hereditary neoplastic syndrome. Identifiers: Orphanet 140162, MedGen C0027672, MeSH D009386, MONDO:0015356.

Allele frequency attached by ClinVar (database versions not stated): gnomAD exomes below 0.00001.
gnomAD v4.1: 1 of 1,614,130 alleles (0.000062%); highest among the groups gnomAD compares: Non-Finnish European, 0.000085%; no homozygotes.

Submission:

Color Diagnostics, LLC DBA Color Health
Classification: Uncertain significance for Hereditary cancer-predisposing syndrome. Last evaluated: 2023-12-04. Review status: criteria provided, single submitter. Criteria: ACMG Guidelines, 2015. Collection method: clinical testing. Allele origin: germline.
Comment: This missense variant replaces proline with threonine at codon 1091 of the APC protein. Computational prediction suggests that this variant may not impact protein structure and function (internally defined REVEL score threshold <= 0.5, PMID: 27666373). To our knowledge, functional studies have not been reported for this variant. This variant has not been reported in individuals affected with APC-related disorders in the literature. This variant has not been identified in the general population by the Genome Aggregation Database (gnomAD). The available evidence is insufficient to determine the role of this variant in disease conclusively. Therefore, this variant is classified as a Variant of Uncertain Significance.

NM_000038.6(APC):c.3271C>A (p.Pro1091Thr)

Gene: APC (APC regulator of Wnt signaling pathway; plus strand). Cytogenetic location: 5q22.2.
Variant type: single nucleotide variant.
Coding change: c.3271C>A on transcript NM_000038.6 (MANE Select); coding-DNA position 3271, C replaced by A.
Protein change: p.Pro1091Thr; replaces proline 1091 with threonine.
Molecular consequence: missense variant.
Genome position (GRCh38, 1-based): chr5:112,838,865, C>A. VCF-style: chr5-112838865-C-A. GRCh37 (hg19) VCF-style: chr5-112174562-C-A.
Other names: c.3271C>A, p.Pro1091Thr (NM_001127510.3, NM_001354895.2); c.3217C>A, p.Pro1073Thr (NM_001127511.3); c.3325C>A, p.Pro1109Thr (NM_001354896.2); c.3301C>A, p.Pro1101Thr (NM_001354897.2); c.3196C>A, p.Pro1066Thr (NM_001354898.2); c.3187C>A, p.Pro1063Thr (NM_001354899.2); c.3148C>A, p.Pro1050Thr (NM_001354900.2); c.3094C>A, p.Pro1032Thr (NM_001354901.2); and 5 more; short protein forms P1032T, P1066T, P1073T, P808T, P990T, P1050T, P1063T, P1091T.
Identifiers: ClinVar variation 920136 (VCV000920136.4), dbSNP rs950606475, ClinGen allele CA16028513.